The following is an entry in ClinVar:

NM_032575.3(GLIS2):c.1475C>T (p.Thr492Met)

Gene: GLIS2 (GLIS family zinc finger 2; plus strand). Cytogenetic location: 16p13.3.
Variant type: single nucleotide variant.
Coding change: c.1475C>T on transcript NM_032575.3 (MANE Select); coding-DNA position 1475, C replaced by T.
Protein change: p.Thr492Met; replaces threonine 492 with methionine.
Molecular consequence: missense variant.
Genome position (GRCh38, 1-based): chr16:4,337,424, C>T. VCF-style: chr16-4337424-C-T. GRCh37 (hg19) VCF-style: chr16-4387425-C-T.
Other names: c.1475C>T, p.Thr492Met (NM_001318918.2); c.1475C>T (NM_032575.2); short protein forms T492M.
Identifiers: ClinVar variation 1520723 (VCV001520723.12), dbSNP rs762640275, ClinGen allele CA7873276.
Genomic context (GRCh38, chr16:4,337,424, plus strand): 5'-GCTCCCGGCCAAGCCCCGATGGACTCCCCCTGCTGCCAGGCACCGTGCTGGACCTGTCCA[C>T]GGGCGTCAACTCAGCTGCCAGCAGCCCAGAGGCGTTGGCCCCTGGCTGGGTGGTCATCCC-3'
Protein context (NP_115964.2, residues 482-502): LLPGTVLDLS[Thr492Met]GVNSAASSPE

ClinVar aggregate classification (germline): Uncertain significance. Review status: criteria provided, multiple submitters, no conflicts (2 of 4 stars). 3 submissions from 3 submitters: Uncertain significance (3). Last evaluated 2025-05-12.

Conditions:
Nephronophthisis 7 (NPHP7). Identifiers: Orphanet 655, MedGen C1969092, MONDO:0012680, OMIM 611498.
Nephronophthisis. Also called: Juvenile Nephronophthisis. Identifiers: Orphanet 655, MedGen C0687120, MONDO:0019005, HP:0000090.

Allele frequency attached by ClinVar (database versions not stated): ExAC 0.00012.
gnomAD v4.1: 67 of 1,584,514 alleles (0.0042%); highest among the groups gnomAD compares: Middle Eastern, 0.12%; no homozygotes.

Submissions (3):

Labcorp Genetics (formerly Invitae), Labcorp
Classification: Uncertain significance for Nephronophthisis. Last evaluated: 2025-05-12. Review status: criteria provided, single submitter. Criteria: Invitae Variant Classification Sherloc (09022015). Collection method: clinical testing. Allele origin: germline.
Comment: This sequence change replaces threonine, which is neutral and polar, with methionine, which is neutral and non-polar, at codon 492 of the GLIS2 protein (p.Thr492Met). The frequency data for this variant in the population databases is considered unreliable, as metrics indicate poor data quality at this position in the gnomAD database. This variant has not been reported in the literature in individuals affected with GLIS2-related conditions. ClinVar contains an entry for this variant (Variation ID: 1520723). Experimental studies and prediction algorithms are not available or were not evaluated, and the functional significance of this variant is currently unknown. In summary, the available evidence is currently insufficient to determine the role of this variant in disease. Therefore, it has been classified as a Variant of Uncertain Significance.

Ambry Genetics
Classification: Uncertain significance. Last evaluated: 2025-04-13. Review status: criteria provided, single submitter. Criteria: Ambry Variant Classification Scheme 2023. Collection method: clinical testing. Allele origin: germline.

Fulgent Genetics
Classification: Uncertain significance for Nephronophthisis 7. Last evaluated: 2024-03-28. Review status: criteria provided, single submitter. Criteria: ACMG Guidelines, 2015. Collection method: clinical testing. Allele origin: germline.